The following is an entry in ClinVar:

NM_024577.4(SH3TC2):c.483T>A (p.Asp161Glu)

Gene: SH3TC2 (SH3 domain and tetratricopeptide repeats 2; minus strand). Cytogenetic location: 5q32.
Variant type: single nucleotide variant.
Coding change: c.483T>A on transcript NM_024577.4 (MANE Select); coding-DNA position 483, T replaced by A.
Protein change: p.Asp161Glu; replaces aspartic acid 161 with glutamic acid.
Molecular consequence: missense variant.
Genome position (GRCh38, 1-based): chr5:149,042,740, A>T on the plus strand (T>A on the coding strand, the complement: SH3TC2 is on the minus strand). VCF-style: chr5-149042740-A-T. GRCh37 (hg19) VCF-style: chr5-148422303-A-T.
Other names: short protein forms D161E.
Identifiers: ClinVar variation 1384926 (VCV001384926.6), dbSNP rs768029461, ClinGen allele CA3499493.

ClinVar aggregate classification (germline): Uncertain significance (1 of 4 stars; one submission).

Conditions:
Charcot-Marie-Tooth disease type 4. Also called: Charcot-Marie-Tooth disease, type IV; Charcot-Marie-Tooth, Type 4. Identifiers: Orphanet 64749, MedGen C4082197, MONDO:0018995.

Allele frequency attached by ClinVar (database versions not stated): ExAC 0.00001.
gnomAD v4.1: 2 of 1,614,186 alleles (0.00012%); highest among the groups gnomAD compares: South Asian, 0.0011%; no homozygotes.

Submission:

Labcorp Genetics (formerly Invitae), Labcorp
Classification: Uncertain significance for Charcot-Marie-Tooth disease type 4. Last evaluated: 2025-01-06. Review status: criteria provided, single submitter. Criteria: Invitae Variant Classification Sherloc (09022015). Collection method: clinical testing. Allele origin: germline.
Comment: This sequence change replaces aspartic acid, which is acidic and polar, with glutamic acid, which is acidic and polar, at codon 161 of the SH3TC2 protein (p.Asp161Glu). This variant is present in population databases (rs768029461, gnomAD 0.003%). This variant has not been reported in the literature in individuals affected with SH3TC2-related conditions. ClinVar contains an entry for this variant (Variation ID: 1384926). Invitae Evidence Modeling of protein sequence and biophysical properties (such as structural, functional, and spatial information, amino acid conservation, physicochemical variation, residue mobility, and thermodynamic stability) indicates that this missense variant is not expected to disrupt SH3TC2 protein function with a negative predictive value of 95%. In summary, the available evidence is currently insufficient to determine the role of this variant in disease. Therefore, it has been classified as a Variant of Uncertain Significance.